The following is an entry in ClinVar:

ClinVar aggregate classification (germline): Uncertain significance. Review status: criteria provided, multiple submitters, no conflicts (2 of 4 stars). 7 submissions from 7 submitters: Uncertain significance (7). Last evaluated 2025-10-08.

Conditions:
MYBPC3-related disorder. Also called: MYBPC3-related disorders; MYBPC3-related condition; MYBPC3-related disease.
Cardiovascular phenotype. Identifiers: MedGen CN230736.
Cardiomyopathy (CMYO). Also called: Cardiomyopathies. Identifiers: Orphanet 167848, MedGen C0878544, MONDO:0004994, HP:0001638. Inheritance: Various modes of inheritance.
Hypertrophic cardiomyopathy. Also called: HYPERTROPHIC MYOCARDIOPATHY. Identifiers: Orphanet 217569, MedGen C0007194, MeSH D002312, MONDO:0005045, HP:0001639.

Allele frequency attached by ClinVar (database versions not stated): ExAC 0.00002; gnomAD 0.00002; TOPMed 0.00002; gnomAD exomes 0.00003.
gnomAD v4.1: 38 of 1,589,922 alleles (0.0024%); highest among the groups gnomAD compares: East Asian, 0.014%; no homozygotes.

Submissions (7):

Women's Health and Genetics/Laboratory Corporation of America, LabCorp
Classification: Uncertain significance. Last evaluated: 2025-10-08. Review status: criteria provided, single submitter. Criteria: LabCorp Variant Classification Summary - May 2015. Collection method: clinical testing. Allele origin: germline.
Comment: Variant summary: MYBPC3 c.49C>T (p.Arg17Trp) results in a non-conservative amino acid change in the encoded protein sequence. Algorithms developed to predict the effect of missense changes on protein structure and function are either unavailable or do not agree on the potential impact of this missense change. The variant allele was found at a frequency of 2.6e-05 in 234856 control chromosomes. The available data on variant occurrences in the general population are insufficient to allow any conclusion about variant significance. c.49C>T has been observed in at least one individual affected with hypertrophic cardiomyopathy (e.g. Walsh_2016). These report(s) do not provide unequivocal conclusions about association of the variant with Cardiomyopathy. To our knowledge, no experimental evidence demonstrating an impact on protein function has been reported. ClinVar contains an entry for this variant (Variation ID: 449293). Based on the evidence outlined above, the variant was classified as uncertain significance.

Labcorp Genetics (formerly Invitae), Labcorp
Classification: Uncertain significance for Hypertrophic cardiomyopathy. Last evaluated: 2025-09-27. Review status: criteria provided, single submitter. Criteria: Invitae Variant Classification Sherloc (09022015). Collection method: clinical testing. Allele origin: germline.
Comment: This sequence change replaces arginine, which is basic and polar, with tryptophan, which is neutral and slightly polar, at codon 17 of the MYBPC3 protein (p.Arg17Trp). This variant is present in population databases (rs747857800, gnomAD 0.02%). This missense change has been observed in individual(s) with clinical features of hypertrophic cardiomyopathy (PMID: 27532257, 30442288, 37652022). ClinVar contains an entry for this variant (Variation ID: 449293). An algorithm developed to predict the effect of missense changes on protein structure and function (PolyPhen-2) suggests that this variant is likely to be disruptive. In summary, the available evidence is currently insufficient to determine the role of this variant in disease. Therefore, it has been classified as a Variant of Uncertain Significance.

PreventionGenetics, part of Exact Sciences
Classification: Uncertain significance for MYBPC3-related condition. Last evaluated: 2025-04-18. Review status: criteria provided, single submitter. Criteria: ACMG Guidelines, 2015. Collection method: clinical testing. Allele origin: germline.
Comment: The MYBPC3 c.49C>T variant is predicted to result in the amino acid substitution p.Arg17Trp. This variant has been reported in both controls and affected individuals with hypertrophic cardiomyopathy (Table S1A, Walsh et al. 2017. PubMed ID: 27532257; Table S8, McGurk et al. 2023. PubMed ID: 37652022). This variant is reported in 0.021% of alleles in individuals of East Asian descent in gnomAD. At this time, the clinical significance of this variant is uncertain due to the absence of conclusive functional and genetic evidence.

All of Us Research Program, National Institutes of Health
Classification: Uncertain significance for Hypertrophic cardiomyopathy. Last evaluated: 2024-08-29. Review status: criteria provided, single submitter. Criteria: ACMG Guidelines, 2015. Collection method: clinical testing. Allele origin: germline. Inheritance: Autosomal dominant inheritance. Observed: 8 variant alleles, 7 heterozygotes, 1 hemizygote.
Comment: This missense variant replaces arginine with tryptophan at codon 17 of the MYBPC3 protein. Computational prediction suggests that this variant may not impact protein structure and function (internally defined REVEL score threshold <= 0.5, PMID: 27666373). To our knowledge, functional studies have not been reported for this variant. This variant has been reported in one individual affected with hypertrophic cardiomyopathy (PMID: 27532257). This variant has been identified in 7/266252 chromosomes in the general population by the Genome Aggregation Database (gnomAD). The available evidence is insufficient to determine the role of this variant in disease conclusively. Therefore, this variant is classified as a Variant of Uncertain Significance.

This study involves interpretation of variants in research participants for the purpose of population health screening. Participant phenotype was not available at the time of variant classification. Additional details can be found in publication PMID: 35346344, PMCID: PMC8962531

Color Diagnostics, LLC DBA Color Health
Classification: Uncertain significance for Cardiomyopathy. Last evaluated: 2024-07-26. Review status: criteria provided, single submitter. Criteria: ACMG Guidelines, 2015. Collection method: clinical testing. Allele origin: germline.
Comment: This missense variant replaces arginine with tryptophan at codon 17 of the MYBPC3 protein. Computational prediction tools indicate that this variant has a neutral impact on protein structure and function. To our knowledge, functional studies have not been reported for this variant. This variant has been reported in an individual affected with hypertrophic cardiomyopathy (PMID: 27532257). This variant has been identified in 7/266252 chromosomes in the general population by the Genome Aggregation Database (gnomAD). The available evidence is insufficient to determine the role of this variant in disease conclusively. Therefore, this variant is classified as a Variant of Uncertain Significance.

Ambry Genetics
Classification: Uncertain significance for Cardiovascular phenotype. Last evaluated: 2020-12-04. Review status: criteria provided, single submitter. Criteria: Ambry Variant Classification Scheme 2023. Collection method: clinical testing. Allele origin: germline.
Comment: The p.R17W variant (also known as c.49C>T), located in coding exon 2 of the MYBPC3 gene, results from a C to T substitution at nucleotide position 49. The arginine at codon 17 is replaced by tryptophan, an amino acid with dissimilar properties. This variant has been detected in a hypertrophic cardiomyopathy genetic testing cohort; however, details were limited (Walsh R et al. Genet Med, 2017 02;19:192-203). This amino acid position is not well conserved in available vertebrate species. In addition, the in silico prediction for this alteration is inconclusive. Since supporting evidence is limited at this time, the clinical significance of this alteration remains unclear.

GeneDx
Classification: Uncertain significance. Last evaluated: 2018-11-20. Review status: criteria provided, single submitter. Criteria: GeneDx Variant Classification (06012015). Collection method: clinical testing. Allele origin: germline. Affected: yes.
Comment: The R17W variant of uncertain significance in the MYBPC3 gene has been reported in 1/3,267 individuals with a clinical diagnosis of HCM undergoing genetic testing at Oxford Medical Genetics Laboratories; however, specific clinical and familial segregation information was not provided (Walsh et al., 2017). R17W was observed in 4/16,908 (0.02%) alleles from individuals of East Asian ancestry in the gnomAD dataset (Lek et al., 2016). The R17W variant is a non-conservative amino acid substitution, which is likely to impact secondary protein structure as these residues differ in polarity, charge, size and/or other properties. Moreover, this substitution occurs at a position where only amino acids with similar properties to arginine are tolerated across species. Nevertheless, in silico analysis is inconsistent in its predictions as to whether or not the variant is damaging to the protein structure/function.

Literature cited by the submitters: PubMed 27532257 (cited by 5 submitters); PubMed 30442288 (cited by Labcorp Genetics (formerly Invitae), Labcorp); PubMed 37652022 (cited by Labcorp Genetics (formerly Invitae), Labcorp).

NM_000256.3(MYBPC3):c.49C>T (p.Arg17Trp)

Gene: MYBPC3 (myosin binding protein C3; minus strand). Cytogenetic location: 11p11.2.
Variant type: single nucleotide variant.
Coding change: c.49C>T on transcript NM_000256.3 (MANE Select); coding-DNA position 49, C replaced by T.
Protein change: p.Arg17Trp; replaces arginine 17 with tryptophan.
Molecular consequence: missense variant.
Genome position (GRCh38, 1-based): chr11:47,351,482, G>A on the plus strand (C>T on the coding strand, the complement: MYBPC3 is on the minus strand). VCF-style: chr11-47351482-G-A. GRCh37 (hg19) VCF-style: chr11-47373033-G-A.
Other names: c.49C>T, p.Arg17Trp (LRG_386t1); short protein forms R17W.
Identifiers: ClinVar variation 449293 (VCV000449293.22), dbSNP rs747857800, ClinGen allele CA055562.
Genomic context (GRCh38, chr11:47,351,482, plus strand): 5'-CTGCCCGCTCTGTCTCGGCCTCGAACACGGCAGGGCTGCCTGCGGCCACTTCCACTGACC[G>A]TGGCTTCTTGCTAAAAGCTGAGACTGAAGGGCCAGGTGGAGGCTACAGCGGCCCCTGGTT-3'
Protein context (NP_000247.2, residues 7-27): KPVSAFSKKP[Arg17Trp]SVEVAAGSPA